The following is an entry in ClinVar:

NM_002715.4(PPP2CA):c.149G>C (p.Cys50Ser)

Gene: PPP2CA (protein phosphatase 2 catalytic subunit alpha; minus strand). Cytogenetic location: 5q31.1.
Variant type: single nucleotide variant.
Coding change: c.149G>C on transcript NM_002715.4 (MANE Select); coding-DNA position 149, G replaced by C.
Protein change: p.Cys50Ser; replaces cysteine 50 with serine.
Molecular consequence: missense variant. On other transcripts: 5 prime UTR variant (1), non-coding transcript variant (1).
Genome position (GRCh38, 1-based): chr5:134,206,085, C>G on the plus strand (G>C on the coding strand, the complement: PPP2CA is on the minus strand). VCF-style: chr5-134206085-C-G. GRCh37 (hg19) VCF-style: chr5-133541776-C-G.
Other names: c.-47G>C (NM_001355019.2); short protein forms C50S.
Identifiers: ClinVar variation 2576014 (VCV002576014.1), dbSNP rs2481058494, ClinGen allele CA360994275.

ClinVar aggregate classification (germline): Uncertain significance (1 of 4 stars; one submission).

Submission:

Institute for Clinical Genetics, University Hospital TU Dresden, University Hospital TU Dresden
Classification: Uncertain significance. Last evaluated: 2022-07-25. Review status: criteria provided, single submitter. Criteria: ACMG Guidelines, 2015. Collection method: clinical testing. Allele origin: paternal.
Comment: PM2_SUP, PP2